The following is an entry in ClinVar:

NM_003482.4(KMT2D):c.11799_11825del (p.3930QLQQQQQQQ[1])

Gene: KMT2D (lysine methyltransferase 2D; minus strand). Cytogenetic location: 12q13.12.
Variant type: Deletion.
Coding change: c.11799_11825del on transcript NM_003482.4 (MANE Select); coding-DNA positions 11799 to 11825, 27 bases deleted (GCAGCAACAGCAGCAGCAGCTTCAACA).
Protein change: p.3930QLQQQQQQQ[1].
Molecular consequence: inframe deletion.
Genome position (GRCh38, 1-based): chr12:49,032,880-49,032,906, TGTTGAAGCTGCTGCTGCTGTTGCTGC deleted on the plus strand (GCAGCAACAGCAGCAGCAGCTTCAACA on the coding strand, the reverse complement: KMT2D is on the minus strand); deleting any 27 consecutive bases within chr12:49,032,880-49,032,917 gives the same sequence; the c. name uses the placement nearest the transcript's 3' end. VCF-style (leftmost placement, unchanged base first): chr12-49032879-TTGTTGAAGCTGCTGCTGCTGTTGCTGC-T. GRCh37 (hg19) VCF-style: chr12-49426662-TTGTTGAAGCTGCTGCTGCTGTTGCTGC-T.
Other names: c.11799_11825del27 (NM_003482.3).
Identifiers: ClinVar variation 2081734 (VCV002081734.6), dbSNP rs774577879, ClinGen allele CA6546289.
Genomic context (GRCh38, chr12:49,032,879, plus strand): 5'-TTGTTGTTGCTGTTGCTGTTGTAGCTGCTGTTGCTGCTGTTGAAGCTGTTGCTGCTGCTG[TTGTTGAAGCTGCTGCTGCTGTTGCTGC>T]TGTTGAAGCTGTTGCTGCTGAAGTTGCTGTTGCTGTTGTAGCTGCTGCTGCTGCTGCTGC-3'

ClinVar aggregate classification (germline): Conflicting classifications of pathogenicity. Review status: criteria provided, conflicting classifications (1 of 4 stars). 3 submissions from 3 submitters: Uncertain significance (2); Likely benign (1). Last evaluated 2025-12-09.

Conditions:
Kabuki syndrome. Also called: Kabuki make-up syndrome; NIIKAWA-KUROKI SYNDROME. Identifiers: Orphanet 2322, MedGen C0796004, MONDO:0016512.
KMT2D-related disorder. Also called: KMT2D-Related Disorders.

Submissions (3):

PreventionGenetics, part of Exact Sciences
Classification: Uncertain significance for KMT2D-related condition. Last evaluated: 2025-12-09. Review status: criteria provided, single submitter. Criteria: ACMG Guidelines, 2015. Collection method: clinical testing. Allele origin: germline.
Comment: The KMT2D c.11799_11825del27 variant is predicted to result in an in-frame deletion (p.Gln3939_Gln3947del). To our knowledge, this variant has not been reported in the literature. This variant is reported in 0.070% of alleles in individuals of African descent in gnomAD. At this time, the clinical significance of this variant is uncertain due to the absence of conclusive functional and genetic evidence.

Labcorp Genetics (formerly Invitae), Labcorp
Classification: Uncertain significance for Kabuki syndrome. Last evaluated: 2025-06-13. Review status: criteria provided, single submitter. Criteria: Invitae Variant Classification Sherloc (09022015). Collection method: clinical testing. Allele origin: germline.
Comment: This variant, c.11799_11825del, results in the deletion of 9 amino acid(s) of the KMT2D protein (p.Gln3939_Gln3947del), but otherwise preserves the integrity of the reading frame. The frequency data for this variant in the population databases is considered unreliable, as metrics indicate poor data quality at this position in the gnomAD database. This variant has not been reported in the literature in individuals affected with KMT2D-related conditions. ClinVar contains an entry for this variant (Variation ID: 2081734). Experimental studies and prediction algorithms are not available or were not evaluated, and the functional significance of this variant is currently unknown. In summary, the available evidence is currently insufficient to determine the role of this variant in disease. Therefore, it has been classified as a Variant of Uncertain Significance.

Blueprint Genetics
Classification: Likely benign. Last evaluated: 2022-06-22. Review status: criteria provided, single submitter. Criteria: ACMG Guidelines, 2015. Collection method: clinical testing. Allele origin: germline.